The following is an entry in ClinVar:

NM_001572.5(IRF7):c.1471G>A (p.Asp491Asn)

Gene: IRF7 (interferon regulatory factor 7; minus strand). Cytogenetic location: 11p15.5.
Variant type: single nucleotide variant.
Coding change: c.1471G>A on transcript NM_001572.5 (MANE Select); coding-DNA position 1471, G replaced by A.
Protein change: p.Asp491Asn; replaces aspartic acid 491 with asparagine.
Molecular consequence: missense variant.
Genome position (GRCh38, 1-based): chr11:612,686, C>T on the plus strand (G>A on the coding strand, the complement: IRF7 is on the minus strand). VCF-style: chr11-612686-C-T. GRCh37 (hg19) VCF-style: chr11-612686-C-T.
Other names: c.1384G>A, p.Asp462Asn (NM_004029.4); c.1510G>A, p.Asp504Asn (NM_004031.4); short protein forms D491N, D504N, D462N.
Identifiers: ClinVar variation 935203 (VCV000935203.10), dbSNP rs1802427, ClinGen allele CA5783434.
Genomic context (GRCh38, chr11:612,686, plus strand): 5'-GTTCTCATTAGACTGGGTTCTAGGCGGGCTGCTCCAGCTCCATAAGGAAGCACTCGATGT[C>T]GTCATAGAGGCTGTTGGCGCTGGACAGGCAGAGGCTGAGGCTGCTGCTATCCAGGGAAGA-3'
Protein context (NP_001563.2, residues 481-501): CLSSANSLYD[Asp491Asn]IECFLMELEQ

ClinVar aggregate classification (germline): Uncertain significance (1 of 4 stars; one submission).

Conditions:
Immunodeficiency 39 (IMD39). Identifiers: Orphanet 574918, MedGen C4225358, MONDO:0014597, OMIM 616345.

Allele frequency attached by ClinVar (database versions not stated): ExAC 0.00001; gnomAD exomes 0.00001 and 0.00002; TOPMed 0.00003; gnomAD 0.00004; 1000 Genomes Project 0.00020; 1000 Genomes Project 30x 0.00031.

Submission:

Labcorp Genetics (formerly Invitae), Labcorp
Classification: Uncertain significance for Immunodeficiency 39. Last evaluated: 2026-01-27. Review status: criteria provided, single submitter. Criteria: Invitae Variant Classification Sherloc (09022015). Collection method: clinical testing. Allele origin: germline.
Comment: This sequence change replaces aspartic acid, which is acidic and polar, with asparagine, which is neutral and polar, at codon 504 of the IRF7 protein (p.Asp504Asn). This variant is present in population databases (rs1802427, gnomAD 0.005%). This variant has not been reported in the literature in individuals affected with IRF7-related conditions. ClinVar contains an entry for this variant (Variation ID: 935203). An algorithm developed to predict the effect of missense changes on protein structure and function (PolyPhen-2) suggests that this variant is likely to be disruptive. In summary, the available evidence is currently insufficient to determine the role of this variant in disease. Therefore, it has been classified as a Variant of Uncertain Significance.